The following is an entry in ClinVar:

ClinVar aggregate classification (germline): Uncertain significance (1 of 4 stars; one submission).

Conditions:
GAS2L2-related disorder. Also called: GAS2L2-related condition.

Submission:

PreventionGenetics, part of Exact Sciences
Classification: Uncertain significance for GAS2L2-related condition. Last evaluated: 2026-07-20. Review status: criteria provided, single submitter. Criteria: ACMG Guidelines, 2015. Collection method: clinical testing. Allele origin: germline.
Comment: The GAS2L2 c.1003C>G variant is predicted to result in the amino acid substitution p.Pro335Ala. To our knowledge, this variant has not been reported in the literature or in a large population database (gnomAD), indicating this variant is rare. At this time, the clinical significance of this variant is uncertain due to the absence of conclusive functional and genetic evidence.

NM_139285.4(GAS2L2):c.1003C>G (p.Pro335Ala)

Gene: GAS2L2 (growth arrest specific 2 like 2; minus strand). Cytogenetic location: 17q12.
Variant type: single nucleotide variant.
Coding change: c.1003C>G on transcript NM_139285.4 (MANE Select); coding-DNA position 1003, C replaced by G.
Protein change: p.Pro335Ala; replaces proline 335 with alanine.
Molecular consequence: missense variant.
Genome position (GRCh38, 1-based): chr17:35,747,098, G>C on the plus strand (C>G on the coding strand, the complement: GAS2L2 is on the minus strand). VCF-style: chr17-35747098-G-C. GRCh37 (hg19) VCF-style: chr17-34074117-G-C.
Other names: short protein forms P335A.
Identifiers: ClinVar variation 4995466 (VCV004995466.1).